The following is an entry in ClinVar:

ClinVar aggregate classification (germline): Uncertain significance. Review status: criteria provided, multiple submitters, no conflicts (2 of 4 stars). 3 submissions from 3 submitters: Uncertain significance (3). Last evaluated 2024-12-27.

Conditions:
Dilated cardiomyopathy 1JJ (CMD1JJ). Identifiers: Orphanet 154, MedGen C3808935, MONDO:0014095, OMIM 615235.
Cardiovascular phenotype. Identifiers: MedGen CN230736.

Allele frequency attached by ClinVar (database versions not stated): gnomAD exomes below 0.00001.
gnomAD v4.1: 2 of 1,613,484 alleles (0.00012%); highest among the groups gnomAD compares: Non-Finnish European, 0.00017%; no homozygotes.

Submissions (3):

Ambry Genetics
Classification: Uncertain significance for Cardiovascular phenotype. Last evaluated: 2024-12-27. Review status: criteria provided, single submitter. Criteria: Ambry Variant Classification Scheme 2023. Collection method: clinical testing. Allele origin: germline.
Comment: The p.E1174K variant (also known as c.3520G>A), located in coding exon 25 of the LAMA4 gene, results from a G to A substitution at nucleotide position 3520. The glutamic acid at codon 1174 is replaced by lysine, an amino acid with similar properties. This amino acid position is not well conserved in available vertebrate species. In addition, the in silico prediction for this alteration is inconclusive. The evidence for this gene-disease relationship is limited; therefore, the clinical significance of this alteration is unclear.

Laboratory for Molecular Medicine, Mass General Brigham Personalized Medicine
Classification: Uncertain significance. Last evaluated: 2021-04-14. Review status: criteria provided, single submitter. Criteria: ACMG Guidelines, 2015. Collection method: clinical testing. Allele origin: germline.
Comment: The p.Glu1174Lys variant in LAMA4 has not been previously reported in individuals with cardiomyopathy or in large population studies. Computational prediction tools and conservation analyses suggest that this variant may not impact the protein, though this information is not predictive enough to rule out pathogenicity. In summary, the clinical significance of this variant is uncertain. ACMG/AMP Criteria applied: PM2_Supporting, BP4.

Labcorp Genetics (formerly Invitae), Labcorp
Classification: Uncertain significance for Dilated cardiomyopathy 1JJ. Last evaluated: 2021-02-26. Review status: criteria provided, single submitter. Criteria: Invitae Variant Classification Sherloc (09022015). Collection method: clinical testing. Allele origin: germline.
Comment: This sequence change replaces glutamic acid with lysine at codon 1174 of the LAMA4 protein (p.Glu1174Lys). The glutamic acid residue is highly conserved and there is a small physicochemical difference between glutamic acid and lysine. This variant is not present in population databases (ExAC no frequency). This variant has not been reported in the literature in individuals with LAMA4-related conditions. Algorithms developed to predict the effect of missense changes on protein structure and function are either unavailable or do not agree on the potential impact of this missense change (SIFT: "Tolerated"; PolyPhen-2: "Possibly Damaging"; Align-GVGD: "Class C0"). In summary, the available evidence is currently insufficient to determine the role of this variant in disease. Therefore, it has been classified as a Variant of Uncertain Significance.

NM_001105206.3(LAMA4):c.3541G>A (p.Glu1181Lys)

Gene: LAMA4 (laminin subunit alpha 4; minus strand). Cytogenetic location: 6q21.
Variant type: single nucleotide variant.
Coding change: c.3541G>A on transcript NM_001105206.3 (MANE Select); coding-DNA position 3541, G replaced by A.
Protein change: p.Glu1181Lys; replaces glutamic acid 1181 with lysine.
Molecular consequence: missense variant.
Genome position (GRCh38, 1-based): chr6:112,134,483, C>T on the plus strand (G>A on the coding strand, the complement: LAMA4 is on the minus strand). VCF-style: chr6-112134483-C-T. GRCh37 (hg19) VCF-style: chr6-112455685-C-T.
Other names: c.3520G>A (NM_002290.3); c.3520G>A, p.Glu1174Lys (NM_001105207.3, NM_002290.5); short protein forms E1174K, E1181K.
Identifiers: ClinVar variation 1395428 (VCV001395428.11), dbSNP rs958899040, ClinGen allele CA144891028.